The following is an entry in ClinVar:

NM_000431.4(MVK):c.64G>C (p.Val22Leu)

Gene: MVK (mevalonate kinase; plus strand). Cytogenetic location: 12q24.11.
Variant type: single nucleotide variant.
Coding change: c.64G>C on transcript NM_000431.4 (MANE Select); coding-DNA position 64, G replaced by C.
Protein change: p.Val22Leu; replaces valine 22 with leucine.
Molecular consequence: missense variant.
Genome position (GRCh38, 1-based): chr12:109,574,886, G>C. VCF-style: chr12-109574886-G-C. GRCh37 (hg19) VCF-style: chr12-110012691-G-C.
Other names: c.64G>C, p.Val22Leu (NM_001114185.3, NM_001301182.2); short protein forms V22L.
Identifiers: ClinVar variation 1468594 (VCV001468594.5), dbSNP rs1217259118, ClinGen allele CA386642945.
Genomic context (GRCh38, chr12:109,574,886, plus strand): 5'-TTGTCAGAAGTCCTACTGGTGTCTGCTCCGGGGAAAGTCATCCTTCATGGAGAACATGCC[G>C]TGGTACATGGCAAGGTACAAAGCCGTTAGAGCCTTTAAGGATTGGGTACCCCTTCTCCCT-3'
Protein context (NP_000422.1, residues 12-32): GKVILHGEHA[Val22Leu]VHGKVALAVS

ClinVar aggregate classification (germline): Uncertain significance (1 of 4 stars; one submission).

Conditions:
Hyperimmunoglobulin D with periodic fever (HIDS). Also called: Hyperimmunoglobulinemia D; HYPERIMMUNOGLOBULINEMIA D AND PERIODIC FEVER SYNDROME; Hyperimmunoglobulinemia D with periodic fever. Identifiers: Orphanet 343, MedGen C0398691, MONDO:0009849, OMIM 260920.
Mevalonic aciduria (MEVA). Identifiers: Orphanet 29, MedGen C1959626, MONDO:0012481, OMIM 610377.
Porokeratosis 3, disseminated superficial actinic type (POROK3). Also called: POROKERATOSIS, DISSEMINATED SUPERFICIAL ACTINIC, 1; POROKERATOSIS 3, MULTIPLE TYPES; POROKERATOSIS 3, MIBELLI TYPE. Identifiers: MedGen C1867981, MONDO:0008293, OMIM 175900.

Submission:

Labcorp Genetics (formerly Invitae), Labcorp
Classification: Uncertain significance for Mevalonic aciduria; Hyperimmunoglobulin D with periodic fever; Porokeratosis 3, disseminated superficial actinic type. Last evaluated: 2024-05-23. Review status: criteria provided, single submitter. Criteria: Invitae Variant Classification Sherloc (09022015). Collection method: clinical testing. Allele origin: germline.
Comment: This sequence change replaces valine, which is neutral and non-polar, with leucine, which is neutral and non-polar, at codon 22 of the MVK protein (p.Val22Leu). This variant is not present in population databases (gnomAD no frequency). This variant has not been reported in the literature in individuals affected with MVK-related conditions. ClinVar contains an entry for this variant (Variation ID: 1468594). Advanced modeling of protein sequence and biophysical properties (such as structural, functional, and spatial information, amino acid conservation, physicochemical variation, residue mobility, and thermodynamic stability) performed at Invitae indicates that this missense variant is expected to disrupt MVK protein function with a positive predictive value of 80%. In summary, the available evidence is currently insufficient to determine the role of this variant in disease. Therefore, it has been classified as a Variant of Uncertain Significance.